The following is an entry in ClinVar:

NM_006231.4(POLE):c.4544T>A (p.Leu1515Gln)

Gene: POLE (DNA polymerase epsilon, catalytic subunit; minus strand). Cytogenetic location: 12q24.33.
Variant type: single nucleotide variant.
Coding change: c.4544T>A on transcript NM_006231.4 (MANE Select); coding-DNA position 4544, T replaced by A.
Protein change: p.Leu1515Gln; replaces leucine 1515 with glutamine.
Molecular consequence: missense variant.
Genome position (GRCh38, 1-based): chr12:132,643,231, A>T on the plus strand (T>A on the coding strand, the complement: POLE is on the minus strand). VCF-style: chr12-132643231-A-T. GRCh37 (hg19) VCF-style: chr12-133219817-A-T.
Other names: c.4544T>A (NM_006231.2); short protein forms L1515Q.
Identifiers: ClinVar variation 1421463 (VCV001421463.7), dbSNP rs570385857, ClinGen allele CA387380298.

ClinVar aggregate classification (germline): Uncertain significance. Review status: criteria provided, multiple submitters, no conflicts (2 of 4 stars). 2 submissions from 2 submitters: Uncertain significance (2). Last evaluated 2025-05-01.

Conditions:
Hereditary cancer-predisposing syndrome. Also called: Neoplastic Syndromes, Hereditary; Hereditary Cancer Syndrome; Hereditary neoplastic syndrome; Tumor predisposition. Identifiers: Orphanet 140162, MedGen C0027672, MeSH D009386, MONDO:0015356.

Submissions (2):

Ambry Genetics
Classification: Uncertain significance for Hereditary cancer-predisposing syndrome. Last evaluated: 2025-05-01. Review status: criteria provided, single submitter. Criteria: Ambry Variant Classification Scheme 2023. Collection method: clinical testing. Allele origin: germline.
Comment: The p.L1515Q variant (also known as c.4544T>A), located in coding exon 35 of the POLE gene, results from a T to A substitution at nucleotide position 4544. The leucine at codon 1515 is replaced by glutamine, an amino acid with dissimilar properties. This amino acid position is conserved. In addition, the in silico prediction for this alteration is inconclusive. Based on the available evidence, the clinical significance of this variant remains unclear.

Labcorp Genetics (formerly Invitae), Labcorp
Classification: Uncertain significance. Last evaluated: 2023-01-12. Review status: criteria provided, single submitter. Criteria: Invitae Variant Classification Sherloc (09022015). Collection method: clinical testing. Allele origin: germline.
Comment: Advanced modeling of protein sequence and biophysical properties (such as structural, functional, and spatial information, amino acid conservation, physicochemical variation, residue mobility, and thermodynamic stability) performed at Invitae indicates that this missense variant is not expected to disrupt POLE protein function. In summary, the available evidence is currently insufficient to determine the role of this variant in disease. Therefore, it has been classified as a Variant of Uncertain Significance. ClinVar contains an entry for this variant (Variation ID: 1421463). This sequence change replaces leucine, which is neutral and non-polar, with glutamine, which is neutral and polar, at codon 1515 of the POLE protein (p.Leu1515Gln). This variant is not present in population databases (gnomAD no frequency). This variant has not been reported in the literature in individuals affected with POLE-related conditions.